The following is an entry in ClinVar:

NM_001382280.1(LRRC53):c.1441AGA[2] (p.Arg483del)

Genes: FPGT-TNNI3K (FPGT-TNNI3K readthrough; plus strand), LRRC53 (leucine rich repeat containing 53; minus strand), TNNI3K (TNNI3 interacting kinase; plus strand). Cytogenetic location: 1p31.1.
Variant type: Microsatellite.
Coding change: c.1441AGA[2] on transcript NM_001382280.1 (MANE Select); two copies in a row of the 3-base unit AGA starting at c.1441; the reference has three copies in a row; one copy, 3 bases deleted.
Protein change: p.Arg483del; deletes arginine 483.
Molecular consequence: inframe deletion. On other transcripts: intron variant (2).
Genome position (GRCh38, 1-based): chr1:74,472,173-74,472,175, TCT deleted on the plus strand (AGA on the coding strand, the reverse complement: LRRC53 is on the minus strand); deleting any 3 consecutive bases within chr1:74,472,173-74,472,181 gives the same sequence; the position shown is the placement nearest the transcript's 3' end. VCF-style (leftmost placement, unchanged base first): chr1-74472172-ATCT-A. GRCh37 (hg19) VCF-style: chr1-74937856-ATCT-A.
Other names: c.1345AGA[2], p.Arg451del (NM_001364666.2); c.2424+8623TCT[2] (NM_001112808.3); c.2121+8623TCT[2] (NM_015978.3); short protein forms R451del, R483del.
Identifiers: ClinVar variation 2638880 (VCV002638880.24), dbSNP rs565475322, ClinGen allele CA909672.

ClinVar aggregate classification (germline): Likely benign (1 of 4 stars; one submission).

Submission:

CeGaT Center for Human Genetics Tuebingen
Classification: Likely benign. Last evaluated: 2022-09-01. Review status: criteria provided, single submitter. Criteria: CeGaT Center For Human Genetics Tuebingen Variant Classification Criteria Version 2. Collection method: clinical testing. Allele origin: germline. Affected: yes. Observed: 1 variant allele.
Comment: LRRC53: BS2